The following is an entry in ClinVar:

ClinVar aggregate classification (germline): Uncertain significance (1 of 4 stars; one submission).

gnomAD v4.1: 22 of 1,614,098 alleles (0.0014%); highest among the groups gnomAD compares: Non-Finnish European, 0.0018%; no homozygotes.

Submission:

GeneDx
Classification: Uncertain significance. Last evaluated: 2025-06-13. Review status: criteria provided, single submitter. Criteria: GeneDx Variant Classification Process June 2021. Collection method: clinical testing. Allele origin: germline.
Comment: Has not been previously published as pathogenic or benign to our knowledge; Not observed at significant frequency in large population cohorts (gnomAD); Missense variant in a gene in which most reported pathogenic variants are truncating/loss of function

NM_001267550.2(TTN):c.8078T>C (p.Val2693Ala)

Gene: TTN (titin; minus strand). Cytogenetic location: 2q31.2.
Variant type: single nucleotide variant.
Coding change: c.8078T>C on transcript NM_001267550.2 (MANE Select); coding-DNA position 8078, T replaced by C.
Protein change: p.Val2693Ala; replaces valine 2693 with alanine.
Molecular consequence: missense variant.
Genome position (GRCh38, 1-based): chr2:178,771,249, A>G on the plus strand (T>C on the coding strand, the complement: TTN is on the minus strand). VCF-style: chr2-178771249-A-G. GRCh37 (hg19) VCF-style: chr2-179635976-A-G.
Other names: c.8078T>C, p.Val2693Ala (NM_001256850.1, NM_133378.4, NM_133379.5); c.7940T>C, p.Val2647Ala (NM_003319.4, NM_133432.3, NM_133437.4); short protein forms V2647A, V2693A.
Identifiers: ClinVar variation 3360337 (VCV003360337.2).